The following is an entry in ClinVar:

ClinVar aggregate classification (germline): Uncertain significance. Review status: criteria provided, multiple submitters, no conflicts (2 of 4 stars). 2 submissions from 2 submitters: Uncertain significance (2). Last evaluated 2024-04-14.

Conditions:
Inborn genetic diseases. Identifiers: MedGen C0950123, MeSH D030342.

gnomAD v4.1: 42 of 1,614,134 alleles (0.0026%); highest among the groups gnomAD compares: Non-Finnish European, 0.0034%; no homozygotes.

Submissions (2):

Labcorp Genetics (formerly Invitae), Labcorp
Classification: Uncertain significance. Last evaluated: 2024-04-14. Review status: criteria provided, single submitter. Criteria: Invitae Variant Classification Sherloc (09022015). Collection method: clinical testing. Allele origin: germline.
Comment: This sequence change replaces arginine, which is basic and polar, with serine, which is neutral and polar, at codon 510 of the ARHGAP31 protein (p.Arg510Ser). This variant is present in population databases (rs375727114, gnomAD 0.003%). This variant has not been reported in the literature in individuals affected with ARHGAP31-related conditions. An algorithm developed to predict the effect of missense changes on protein structure and function (PolyPhen-2) suggests that this variant is likely to be disruptive. In summary, the available evidence is currently insufficient to determine the role of this variant in disease. Therefore, it has been classified as a Variant of Uncertain Significance.

Ambry Genetics
Classification: Uncertain significance for Inborn genetic diseases. Last evaluated: 2024-03-25. Review status: criteria provided, single submitter. Criteria: Ambry Variant Classification Scheme 2023. Collection method: clinical testing. Allele origin: germline.

NM_020754.4(ARHGAP31):c.1530A>T (p.Arg510Ser)

Gene: ARHGAP31 (Rho GTPase activating protein 31; plus strand). Cytogenetic location: 3q13.33.
Variant type: single nucleotide variant.
Coding change: c.1530A>T on transcript NM_020754.4 (MANE Select); coding-DNA position 1530, A replaced by T.
Protein change: p.Arg510Ser; replaces arginine 510 with serine.
Molecular consequence: missense variant.
Genome position (GRCh38, 1-based): chr3:119,402,282, A>T. VCF-style: chr3-119402282-A-T. GRCh37 (hg19) VCF-style: chr3-119121129-A-T.
Other names: short protein forms R510S.
Identifiers: ClinVar variation 3311750 (VCV003311750.3).
Genomic context (GRCh38, chr3:119,402,282, plus strand): 5'-TGCGGTATCTGTGCCGCTCCGCGTGTCCGCAGTCATCAGCACCAACAGCACGCCGTGCAG[A>T]ACACCCCCGAAGGAGCTGCAGTCTCTTTCCAGCCTGGAAGAGTTTTCTTTTCATGGATCA-3'
Protein context (NP_065805.2, residues 500-520): AVISTNSTPC[Arg510Ser]TPPKELQSLS